The following is an entry in ClinVar:

ClinVar aggregate classification (germline): Likely benign. Review status: criteria provided, multiple submitters, no conflicts (2 of 4 stars). 2 submissions from 2 submitters: Likely benign (2). Last evaluated 2026-06-22.

Conditions:
PRPF3-related disorder. Also called: PRPF3-related condition.

Allele frequency attached by ClinVar (database versions not stated): gnomAD 0.00001.
gnomAD v4.1: 4 of 1,614,086 alleles (0.00025%); no homozygotes.

Submissions (2):

PreventionGenetics, part of Exact Sciences
Classification: Likely benign for PRPF3-related condition. Last evaluated: 2026-06-22. Review status: criteria provided, single submitter. Criteria: ACMG Guidelines, 2015. Collection method: clinical testing. Allele origin: germline.
Comment: This variant is classified as likely benign based on ACMG/AMP sequence variant interpretation guidelines (Richards et al. 2015 PMID: 25741868, with internal and published modifications).

Labcorp Genetics (formerly Invitae), Labcorp
Classification: Likely benign. Last evaluated: 2022-07-12. Review status: criteria provided, single submitter. Criteria: Invitae Variant Classification Sherloc (09022015). Collection method: clinical testing. Allele origin: germline.

NM_004698.4(PRPF3):c.1719G>C (p.Val573=)

Gene: PRPF3 (pre-mRNA processing factor 3; plus strand). Cytogenetic location: 1q21.2.
Variant type: single nucleotide variant.
Coding change: c.1719G>C on transcript NM_004698.4 (MANE Select); coding-DNA position 1719, G replaced by C.
Protein change: p.Val573=; no amino-acid change (valine 573 retained).
Molecular consequence: synonymous variant. On other transcripts: non-coding transcript variant (4).
Genome position (GRCh38, 1-based): chr1:150,346,096, G>C. VCF-style: chr1-150346096-G-C. GRCh37 (hg19) VCF-style: chr1-150318572-G-C.
Other names: c.1314G>C, p.Val438= (NM_001350529.1); c.1719G>C (NM_004698.2).
Identifiers: ClinVar variation 1602291 (VCV001602291.9), dbSNP rs967923526, ClinGen allele CA30027932.
Genomic context (GRCh38, chr1:150,346,096, plus strand): 5'-CCCAGCCAAGAAGTTCAAGATTGAAGCCAATGCTGGGCAACTGTACCTGACAGGGGTGGT[G>C]GTACTGCACAAGGATGTCAACGTGGTAGTAGTGGAAGGGGGTGAGTCTGAAAAACTTGAG-3'
Protein context (NP_004689.1, residues 563-583): NAGQLYLTGV[Val573=]VLHKDVNVVV